The following is an entry in ClinVar:

NM_000238.4(KCNH2):c.2783_2789del (p.Gly928fs)

Gene: KCNH2 (potassium voltage-gated channel subfamily H member 2; minus strand). Cytogenetic location: 7q36.1.
Variant type: Deletion.
Coding change: c.2783_2789del on transcript NM_000238.4 (MANE Select); coding-DNA positions 2783 to 2789, 7 bases deleted (GGGAGAG; older notation c.2783_2789delGGGAGAG).
Protein change: p.Gly928fs; shifts the reading frame from glycine 928.
Molecular consequence: frameshift variant.
Genome position (GRCh38, 1-based): chr7:150,947,782-150,947,788, CTCTCCC deleted on the plus strand (GGGAGAG on the coding strand, the reverse complement: KCNH2 is on the minus strand); deleting any 7 consecutive bases within chr7:150,947,782-150,947,789 gives the same sequence; the c. name uses the placement nearest the transcript's 3' end. VCF-style (leftmost placement, unchanged base first): chr7-150947781-GCTCTCCC-G. GRCh37 (hg19) VCF-style: chr7-150644869-GCTCTCCC-G.
Other names: c.1763_1769del, p.Gly588fs (NM_172057.3); short protein forms G588fs, G928fs.
Identifiers: ClinVar variation 200676 (VCV000200676.3), dbSNP rs794728457, ClinGen allele CA007437.

ClinVar aggregate classification (germline): Pathogenic (1 of 4 stars; one submission).

Conditions:
Cardiac arrhythmia. Also called: Arrhythmia; Cardiac rhythm disease. Identifiers: MedGen C0003811, MONDO:0007263, HP:0011675.

Submission:

GeneDx
Classification: Pathogenic for Cardiac arrhythmia. Last evaluated: 2012-07-03. Review status: criteria provided, single submitter. Criteria: GeneDx Variant Classification (06012015). Collection method: clinical testing. Allele origin: germline. Affected: yes.
Comment: p.Gly928AlafsX44: c.2783_2789delGGGAGAG in exon 12 of the KCNH2 gene (NM_000238.2). The normal sequence with the bases deleted in braces is: GGGT{GGGAGAG}CCCG. Although the c.2783_2789delGGGAGAG mutation in the KCNH2 gene has not been reported previously, this mutation causes a shift in reading frame starting at codon Glycine 928, changing it to an Alanine, and creating a premature stop codon at position 44 of the new reading frame. This mutation is expected to result in either an abnormal, truncated protein product or loss of protein from this allele through nonsense-mediated mRNA decay. Other frameshift mutations in the KCNH2 gene have been reported in association with LQTS. In summary, c.2783_2789delGGGAGAG in the KCNH2 gene is interpreted as a disease-causing mutation. The variant is found in LQT panel(s).